The following is an entry in ClinVar:

ClinVar aggregate classification (germline): Uncertain significance (1 of 4 stars; one submission).

Conditions:
Intellectual developmental disorder, X-linked 1. Also called: Atkin Flaitz Patil Smith syndrome; MENTAL RETARDATION, X-LINKED 18; MENTAL RETARDATION, X-LINKED 78; Intellectual disability, X-linked 1. Identifiers: Orphanet 777, MedGen C2931498, MONDO:0010656, OMIM 309530.

Submission:

3billion
Classification: Uncertain significance for Intellectual developmental disorder, X-linked 1. Last evaluated: 2025-09-12. Review status: criteria provided, single submitter. Criteria: ACMG Guidelines, 2015. Collection method: clinical testing. Allele origin: germline. Affected: yes.
Comment: The variant is not observed in the gnomAD v4.1.0 dataset. Predicted Consequence/Location: Missense variant In silico tool predictions suggest damaging effect of the variant on gene or gene product [REVEL: 0.70 (>=0.6, sensitivity 0.68 and specificity 0.92); 3Cnet: 0.96 (> 0.75, sensitivity 0.96 and precision 0.92)]. Different missense changes at the same codon have been reported as of uncertain significance (ClinVar ID: VCV002672128). Therefore, this variant is classified as VUS according to the recommendation of ACMG/AMP guideline.

NM_001111125.3(IQSEC2):c.2648T>G (p.Ile883Ser)

Gene: IQSEC2 (IQ motif and Sec7 domain ArfGEF 2; minus strand). Cytogenetic location: Xp11.22.
Variant type: single nucleotide variant.
Coding change: c.2648T>G on transcript NM_001111125.3 (MANE Select); coding-DNA position 2648, T replaced by G.
Protein change: p.Ile883Ser; replaces isoleucine 883 with serine.
Molecular consequence: missense variant.
Genome position (GRCh38, 1-based): chrX:53,247,070, A>C on the plus strand (T>G on the coding strand, the complement: IQSEC2 is on the minus strand). VCF-style: chrX-53247070-A-C. GRCh37 (hg19) VCF-style: chrX-53276252-A-C.
Other names: c.2648T>G, p.Ile883Ser (NM_001410736.1, NM_001441092.1); c.2150T>G, p.Ile717Ser (NM_001441093.1); c.1937T>G, p.Ile646Ser (NM_001441094.1, NM_001441095.1); c.2033T>G, p.Ile678Ser (NM_015075.2); short protein forms I646S, I678S, I717S, I883S.
Identifiers: ClinVar variation 4855487 (VCV004855487.1).